The following is an entry in ClinVar:

NM_000264.5(PTCH1):c.2179T>G (p.Cys727Gly)

Genes: PTCH1 (patched 1; minus strand), LOC100507346 (uncharacterized LOC100507346; plus strand). Cytogenetic location: 9q22.32.
Variant type: single nucleotide variant.
Coding change: c.2179T>G on transcript NM_000264.5 (MANE Select); coding-DNA position 2179, T replaced by G.
Protein change: p.Cys727Gly; replaces cysteine 727 with glycine.
Molecular consequence: missense variant. On other transcripts: non-coding transcript variant (2).
Genome position (GRCh38, 1-based): chr9:95,468,822, A>C on the plus strand (T>G on the coding strand, the complement: PTCH1 is on the minus strand). VCF-style: chr9-95468822-A-C. GRCh37 (hg19) VCF-style: chr9-98231104-A-C.
Other names: c.2179T>G (NM_000264.3); c.1981T>G, p.Cys661Gly (NM_001083602.3); c.2176T>G, p.Cys726Gly (NM_001083603.3); c.1726T>G, p.Cys576Gly (NM_001083604.3, NM_001083605.3, NM_001083606.3 and 1 more transcripts); c.2023T>G, p.Cys675Gly (NM_001354918.2); short protein forms C675G, C576G, C726G, C727G, C661G.
Identifiers: ClinVar variation 1037021 (VCV001037021.7), dbSNP rs779167673, ClinGen allele CA374115433.

ClinVar aggregate classification (germline): Uncertain significance. Review status: criteria provided, multiple submitters, no conflicts (2 of 4 stars). 2 submissions from 2 submitters: Uncertain significance (2). Last evaluated 2023-12-14.

Conditions:
Hereditary cancer-predisposing syndrome. Also called: Neoplastic Syndromes, Hereditary; Hereditary Cancer Syndrome; Tumor predisposition; Hereditary neoplastic syndrome. Identifiers: Orphanet 140162, MedGen C0027672, MeSH D009386, MONDO:0015356.
Gorlin syndrome. Also called: Basal cell nevus syndrome; Nevoid Basal Cell Carcinoma Syndrome. Identifiers: Orphanet 377, MedGen C0004779, MONDO:0007187.

gnomAD v4.1: 1 of 1,614,120 alleles (0.000062%); highest among the groups gnomAD compares: Non-Finnish European, 0.000085%; no homozygotes.

Submissions (2):

Ambry Genetics
Classification: Uncertain significance for Hereditary cancer-predisposing syndrome. Last evaluated: 2023-12-14. Review status: criteria provided, single submitter. Criteria: Ambry Variant Classification Scheme 2023. Collection method: clinical testing. Allele origin: germline.

Labcorp Genetics (formerly Invitae), Labcorp
Classification: Uncertain significance for Gorlin syndrome. Last evaluated: 2022-08-18. Review status: criteria provided, single submitter. Criteria: Invitae Variant Classification Sherloc (09022015). Collection method: clinical testing. Allele origin: germline.
Comment: This sequence change replaces cysteine, which is neutral and slightly polar, with glycine, which is neutral and non-polar, at codon 727 of the PTCH1 protein (p.Cys727Gly). This variant is not present in population databases (gnomAD no frequency). This variant has not been reported in the literature in individuals affected with PTCH1-related conditions. ClinVar contains an entry for this variant (Variation ID: 1037021). Advanced modeling of protein sequence and biophysical properties (such as structural, functional, and spatial information, amino acid conservation, physicochemical variation, residue mobility, and thermodynamic stability) performed at Invitae indicates that this missense variant is not expected to disrupt PTCH1 protein function. Algorithms developed to predict the effect of sequence changes on RNA splicing suggest that this variant may create or strengthen a splice site. In summary, the available evidence is currently insufficient to determine the role of this variant in disease. Therefore, it has been classified as a Variant of Uncertain Significance.